The following is an entry in ClinVar:

ClinVar aggregate classification (germline): Uncertain significance (1 of 4 stars; one submission).

Conditions:
Peroxisome biogenesis disorder, complementation group 7 (CG7). Also called: Peroxisome biogenesis disorder, complementation group B. Identifiers: MedGen C1864399.

Submission:

Labcorp Genetics (formerly Invitae), Labcorp
Classification: Uncertain significance for Peroxisome biogenesis disorder, complementation group 7. Last evaluated: 2022-07-25. Review status: criteria provided, single submitter. Criteria: Invitae Variant Classification Sherloc (09022015). Collection method: clinical testing. Allele origin: germline.
Comment: This sequence change replaces lysine, which is basic and polar, with methionine, which is neutral and non-polar, at codon 41 of the PEX10 protein (p.Lys41Met). This variant is not present in population databases (gnomAD no frequency). This variant has not been reported in the literature in individuals affected with PEX10-related conditions. ClinVar contains an entry for this variant (Variation ID: 1423959). Algorithms developed to predict the effect of missense changes on protein structure and function are either unavailable or do not agree on the potential impact of this missense change (SIFT: "Tolerated"; PolyPhen-2: "Possibly Damaging"; Align-GVGD: "Class C0"). In summary, the available evidence is currently insufficient to determine the role of this variant in disease. Therefore, it has been classified as a Variant of Uncertain Significance.

NM_002617.4(PEX10):c.122A>T (p.Lys41Met)

Gene: PEX10 (peroxisomal biogenesis factor 10; minus strand). Cytogenetic location: 1p36.32.
Variant type: single nucleotide variant.
Coding change: c.122A>T on transcript NM_002617.4 (MANE Select); coding-DNA position 122, A replaced by T.
Protein change: p.Lys41Met; replaces lysine 41 with methionine.
Molecular consequence: missense variant. On other transcripts: 5 prime UTR variant (2), non-coding transcript variant (1).
Genome position (GRCh38, 1-based): chr1:2,410,442, T>A on the plus strand (A>T on the coding strand, the complement: PEX10 is on the minus strand). VCF-style: chr1-2410442-T-A. GRCh37 (hg19) VCF-style: chr1-2341881-T-A.
Other names: c.122A>T, p.Lys41Met (NM_001374425.1, NM_153818.2); c.-311A>T (NM_001374426.1, NM_001374427.1); short protein forms K41M.
Identifiers: ClinVar variation 1423959 (VCV001423959.5), dbSNP rs112163061, ClinGen allele CA337989514.